The following is an entry in ClinVar:

ClinVar aggregate classification (germline): Uncertain significance (1 of 4 stars; one submission).

Conditions:
Spinocerebellar ataxia, autosomal recessive, with axonal neuropathy 2 (SCAN2). Also called: Ataxia with Oculomotor Apraxia Type 2; Ataxia-ocular apraxia-2; ATAXIA-OCULOMOTOR APRAXIA 2; Ataxia with Oculomotor Apraxia. Identifiers: Orphanet 64753, MedGen C1853761, MONDO:0018996, OMIM 606002.
Amyotrophic lateral sclerosis type 4 (ALS4). Also called: NEURONOPATHY, DISTAL HEREDITARY MOTOR, WITH PYRAMIDAL FEATURES; AMYOTROPHIC LATERAL SCLEROSIS 4, JUVENILE. Identifiers: Orphanet 357043, MedGen C1865409, MONDO:0011223, OMIM 602433.

Submission:

Labcorp Genetics (formerly Invitae), Labcorp
Classification: Uncertain significance for Amyotrophic lateral sclerosis type 4; Spinocerebellar ataxia, autosomal recessive, with axonal neuropathy 2. Last evaluated: 2021-06-08. Review status: criteria provided, single submitter. Criteria: Invitae Variant Classification Sherloc (09022015). Collection method: clinical testing. Allele origin: germline.
Comment: This sequence change replaces alanine with serine at codon 1996 of the SETX protein (p.Ala1996Ser). The alanine residue is moderately conserved and there is a moderate physicochemical difference between alanine and serine. This variant is not present in population databases (ExAC no frequency). This variant has not been reported in the literature in individuals with SETX-related conditions. Advanced modeling of protein sequence and biophysical properties (such as structural, functional, and spatial information, amino acid conservation, physicochemical variation, residue mobility, and thermodynamic stability) performed at Invitae indicates that this missense variant is not expected to disrupt SETX protein function. In summary, the available evidence is currently insufficient to determine the role of this variant in disease. Therefore, it has been classified as a Variant of Uncertain Significance.

NM_015046.7(SETX):c.5986G>T (p.Ala1996Ser)

Gene: SETX (senataxin; minus strand). Cytogenetic location: 9q34.13.
Variant type: single nucleotide variant.
Coding change: c.5986G>T on transcript NM_015046.7 (MANE Select); coding-DNA position 5986, G replaced by T.
Protein change: p.Ala1996Ser; replaces alanine 1996 with serine.
Molecular consequence: missense variant.
Genome position (GRCh38, 1-based): chr9:132,295,992, C>A on the plus strand (G>T on the coding strand, the complement: SETX is on the minus strand). VCF-style: chr9-132295992-C-A. GRCh37 (hg19) VCF-style: chr9-135171379-C-A.
Other names: c.5986G>T, p.Ala1996Ser (NM_001351527.2, NM_001351528.2); short protein forms A1996S.
Identifiers: ClinVar variation 1359918 (VCV001359918.8), dbSNP rs2131284986, ClinGen allele CA375342910.